The following is an entry in ClinVar:

ClinVar aggregate classification (germline): Uncertain significance (1 of 4 stars; one submission).

Submission:

Ambry Genetics
Classification: Uncertain significance. Last evaluated: 2023-06-08. Review status: criteria provided, single submitter. Criteria: Ambry Variant Classification Scheme 2023. Collection method: clinical testing. Allele origin: germline.
Comment: The p.P287T variant (also known as c.859C>A), located in coding exon 3 of the TERF2IP gene, results from a C to A substitution at nucleotide position 859. The proline at codon 287 is replaced by threonine, an amino acid with highly similar properties. This amino acid position is conserved. In addition, this alteration is predicted to be tolerated by in silico analysis. Since supporting evidence is limited at this time, the clinical significance of this alteration remains unclear.

NM_018975.4(TERF2IP):c.859C>A (p.Pro287Thr)

Gene: TERF2IP (TERF2 interacting protein; plus strand). Cytogenetic location: 16q23.1.
Variant type: single nucleotide variant.
Coding change: c.859C>A on transcript NM_018975.4 (MANE Select); coding-DNA position 859, C replaced by A.
Protein change: p.Pro287Thr; replaces proline 287 with threonine.
Molecular consequence: missense variant. On other transcripts: non-coding transcript variant (1).
Genome position (GRCh38, 1-based): chr16:75,656,270, C>A. VCF-style: chr16-75656270-C-A. GRCh37 (hg19) VCF-style: chr16-75690168-C-A.
Other names: short protein forms P287T.
Identifiers: ClinVar variation 2563472 (VCV002563472.2), dbSNP rs2507089268, ClinGen allele CA396819735.